The following is an entry in ClinVar:

ClinVar aggregate classification (germline): Uncertain significance (1 of 4 stars; one submission).

Submission:

Labcorp Genetics (formerly Invitae), Labcorp
Classification: Uncertain significance. Last evaluated: 2025-04-02. Review status: criteria provided, single submitter. Criteria: Invitae Variant Classification Sherloc (09022015). Collection method: clinical testing. Allele origin: germline.
Comment: This sequence change replaces phenylalanine, which is neutral and non-polar, with cysteine, which is neutral and slightly polar, at codon 1486 of the COL2A1 protein (p.Phe1486Cys). This variant is not present in population databases (gnomAD no frequency). This variant has not been reported in the literature in individuals affected with COL2A1-related conditions. Invitae Evidence Modeling of protein sequence and biophysical properties (such as structural, functional, and spatial information, amino acid conservation, physicochemical variation, residue mobility, and thermodynamic stability) indicates that this missense variant is expected to disrupt COL2A1 protein function with a positive predictive value of 95%. In summary, the available evidence is currently insufficient to determine the role of this variant in disease. Therefore, it has been classified as a Variant of Uncertain Significance.

NM_001844.5(COL2A1):c.4457T>G (p.Phe1486Cys)

Gene: COL2A1 (collagen type II alpha 1 chain; minus strand). Cytogenetic location: 12q13.11.
Variant type: single nucleotide variant.
Coding change: c.4457T>G on transcript NM_001844.5 (MANE Select); coding-DNA position 4457, T replaced by G.
Protein change: p.Phe1486Cys; replaces phenylalanine 1486 with cysteine.
Molecular consequence: missense variant.
Genome position (GRCh38, 1-based): chr12:47,973,414, A>C on the plus strand (T>G on the coding strand, the complement: COL2A1 is on the minus strand). VCF-style: chr12-47973414-A-C. GRCh37 (hg19) VCF-style: chr12-48367197-A-C.
Other names: c.4250T>G, p.Phe1417Cys (NM_033150.3); short protein forms F1417C, F1486C.
Identifiers: ClinVar variation 4747034 (VCV004747034.1).